The following is an entry in ClinVar:

NM_003126.4(SPTA1):c.2588-7T>A

Gene: SPTA1 (spectrin alpha, erythrocytic 1; minus strand). Cytogenetic location: 1q23.1.
Variant type: single nucleotide variant.
Coding change: c.2588-7T>A on transcript NM_003126.4 (MANE Select); 7 bases into the intron before coding-DNA position 2588, T replaced by A.
Molecular consequence: intron variant.
Genome position (GRCh38, 1-based): chr1:158,657,701, A>T on the plus strand (T>A on the coding strand, the complement: SPTA1 is on the minus strand). VCF-style: chr1-158657701-A-T. GRCh37 (hg19) VCF-style: chr1-158627491-A-T.
Identifiers: ClinVar variation 1926586 (VCV001926586.6), dbSNP rs2101879442, ClinGen allele CA2580061233.

ClinVar aggregate classification (germline): Uncertain significance. Review status: criteria provided, multiple submitters, no conflicts (2 of 4 stars). 2 submissions from 2 submitters: Uncertain significance (2). Last evaluated 2024-01-12.

Submissions (2):

Blueprint Genetics
Classification: Uncertain significance. Last evaluated: 2024-01-12. Review status: criteria provided, single submitter. Criteria: ACMG Guidelines, 2015. Collection method: clinical testing. Allele origin: germline.

Labcorp Genetics (formerly Invitae), Labcorp
Classification: Uncertain significance. Last evaluated: 2022-09-07. Review status: criteria provided, single submitter. Criteria: Invitae Variant Classification Sherloc (09022015). Collection method: clinical testing. Allele origin: germline.
Comment: This variant is not present in population databases (gnomAD no frequency). This sequence change falls in intron 18 of the SPTA1 gene. It does not directly change the encoded amino acid sequence of the SPTA1 protein. This variant has not been reported in the literature in individuals affected with SPTA1-related conditions. Algorithms developed to predict the effect of sequence changes on RNA splicing suggest that this variant may create or strengthen a splice site. In summary, the available evidence is currently insufficient to determine the role of this variant in disease. Therefore, it has been classified as a Variant of Uncertain Significance.